The following is an entry in ClinVar:

ClinVar aggregate classification (germline): Uncertain significance (1 of 4 stars; one submission).

Conditions:
Autosomal dominant spastic paraplegia type 9. Identifiers: MedGen C1832669, MONDO:0015091.
Cutis laxa, autosomal dominant 3 (ADCL3). Identifiers: Orphanet 90348, MedGen C4225268, MONDO:0014706, OMIM 616603.
de Barsy syndrome. Also called: Cutis laxa-corneal clouding-oligophrenia syndrome. Identifiers: Orphanet 2962, MedGen C0268354, MONDO:0017569.

Allele frequency attached by ClinVar (database versions not stated): TOPMed 0.00001.
gnomAD v4.1: 14 of 1,614,244 alleles (0.00087%); highest among the groups gnomAD compares: Non-Finnish European, 0.0012%; no homozygotes.

Submission:

Labcorp Genetics (formerly Invitae), Labcorp
Classification: Uncertain significance for Autosomal dominant spastic paraplegia type 9; de Barsy syndrome; Cutis laxa, autosomal dominant 3. Last evaluated: 2025-01-01. Review status: criteria provided, single submitter. Criteria: Invitae Variant Classification Sherloc (09022015). Collection method: clinical testing. Allele origin: germline.
Comment: This sequence change replaces lysine, which is basic and polar, with asparagine, which is neutral and polar, at codon 68 of the ALDH18A1 protein (p.Lys68Asn). This variant is not present in population databases (gnomAD no frequency). This variant has not been reported in the literature in individuals affected with ALDH18A1-related conditions. ClinVar contains an entry for this variant (Variation ID: 1412862). Invitae Evidence Modeling of protein sequence and biophysical properties (such as structural, functional, and spatial information, amino acid conservation, physicochemical variation, residue mobility, and thermodynamic stability) has been performed for this missense variant. However, the output from this modeling did not meet the statistical confidence thresholds required to predict the impact of this variant on ALDH18A1 protein function. In summary, the available evidence is currently insufficient to determine the role of this variant in disease. Therefore, it has been classified as a Variant of Uncertain Significance.

NM_002860.4(ALDH18A1):c.204G>C (p.Lys68Asn)

Gene: ALDH18A1 (aldehyde dehydrogenase 18 family member A1; minus strand). Cytogenetic location: 10q24.1.
Variant type: single nucleotide variant.
Coding change: c.204G>C on transcript NM_002860.4 (MANE Select); coding-DNA position 204, G replaced by C.
Protein change: p.Lys68Asn; replaces lysine 68 with asparagine.
Molecular consequence: missense variant. On other transcripts: intron variant (4).
Genome position (GRCh38, 1-based): chr10:95,643,091, C>G on the plus strand (G>C on the coding strand, the complement: ALDH18A1 is on the minus strand). VCF-style: chr10-95643091-C-G. GRCh37 (hg19) VCF-style: chr10-97402848-C-G.
Other names: c.204G>C, p.Lys68Asn (NM_001017423.2, NM_001323413.2, NM_001323414.2 and 2 more transcripts); c.-78-9442G>C (NM_001323419.2); c.-30-5655G>C (NM_001323412.2, NM_001323418.2, NM_001323416.2); short protein forms K68N.
Identifiers: ClinVar variation 1412862 (VCV001412862.6), dbSNP rs768807587, ClinGen allele CA377707926.